The following is an entry in ClinVar:

ClinVar aggregate classification (germline): Uncertain significance. Review status: criteria provided, multiple submitters, no conflicts (2 of 4 stars). 2 submissions from 2 submitters: Uncertain significance (2). Last evaluated 2025-10-12.

Conditions:
NPC1-related disorder. Also called: NPC1-related condition.

Allele frequency attached by ClinVar (database versions not stated): gnomAD exomes below 0.00001; ExAC 0.00001.
gnomAD v4.1: 2 of 1,614,236 alleles (0.00012%); highest among the groups gnomAD compares: East Asian, 0.0022%; no homozygotes.

Submissions (2):

PreventionGenetics, part of Exact Sciences
Classification: Uncertain significance for NPC1-related condition. Last evaluated: 2025-10-12. Review status: criteria provided, single submitter. Criteria: ACMG Guidelines, 2015. Collection method: clinical testing. Allele origin: germline.
Comment: The NPC1 c.2288T>C variant is predicted to result in the amino acid substitution p.Phe763Ser. To our knowledge, this variant has not been reported in the literature. This variant is reported in 0.0054% of alleles in individuals of East Asian descent in gnomAD. At this time, the clinical significance of this variant is uncertain due to the absence of conclusive functional and genetic evidence.

CeGaT Center for Human Genetics Tuebingen
Classification: Uncertain significance. Last evaluated: 2019-05-01. Review status: criteria provided, single submitter. Criteria: CeGaT Center For Human Genetics Tuebingen Variant Classification Criteria Version 2. Collection method: clinical testing. Allele origin: germline. Affected: yes. Observed: 1 variant allele.

NM_000271.5(NPC1):c.2288T>C (p.Phe763Ser)

Gene: NPC1 (NPC intracellular cholesterol transporter 1; minus strand). Cytogenetic location: 18q11.2.
Variant type: single nucleotide variant.
Coding change: c.2288T>C on transcript NM_000271.5 (MANE Select); coding-DNA position 2288, T replaced by C.
Protein change: p.Phe763Ser; replaces phenylalanine 763 with serine.
Molecular consequence: missense variant.
Genome position (GRCh38, 1-based): chr18:23,541,391, A>G on the plus strand (T>C on the coding strand, the complement: NPC1 is on the minus strand). VCF-style: chr18-23541391-A-G. GRCh37 (hg19) VCF-style: chr18-21121355-A-G.
Other names: c.2288T>C (NM_000271.4); short protein forms F763S.
Identifiers: ClinVar variation 808373 (VCV000808373.43), dbSNP rs568942365, ClinGen allele CA8913152.